The following is an entry in ClinVar:

NM_032237.5(POMK):c.215T>C (p.Leu72Pro)

Gene: POMK (protein O-mannose kinase; plus strand). Cytogenetic location: 8p11.21.
Variant type: single nucleotide variant.
Coding change: c.215T>C on transcript NM_032237.5 (MANE Select); coding-DNA position 215, T replaced by C.
Protein change: p.Leu72Pro; replaces leucine 72 with proline.
Molecular consequence: missense variant.
Genome position (GRCh38, 1-based): chr8:43,103,763, T>C. VCF-style: chr8-43103763-T-C. GRCh37 (hg19) VCF-style: chr8-42958906-T-C.
Other names: c.215T>C, p.Leu72Pro (NM_001277971.2); short protein forms L72P.
Identifiers: ClinVar variation 1412335 (VCV001412335.8), dbSNP rs1811493094, ClinGen allele CA371117645.

ClinVar aggregate classification (germline): Uncertain significance (1 of 4 stars; one submission).

Conditions:
Muscular dystrophy-dystroglycanopathy (congenital with brain and eye anomalies), type a, 12 (MDDGA12). Also called: WALKER-WARBURG SYNDROME OR MUSCLE-EYE-BRAIN DISEASE, POMK-RELATED. Identifiers: Orphanet 899, MedGen C3808964, MONDO:0014101, OMIM 615249.
Limb-girdle muscular dystrophy due to POMK deficiency. Also called: Muscular dystrophy-dystroglycanopathy (limb-girdle), type c, 12; MUSCULAR DYSTROPHY-DYSTROGLYCANOPATHY, LIMB-GIRDLE, POMK-RELATED. Identifiers: Orphanet 445110, MedGen C4015184, MONDO:0014489, OMIM 616094.

Allele frequency attached by ClinVar (database versions not stated): gnomAD exomes below 0.00001.
gnomAD v4.1: 1 of 1,614,234 alleles (0.000062%); highest among the groups gnomAD compares: Non-Finnish European, 0.000085%; no homozygotes.

Submission:

Labcorp Genetics (formerly Invitae), Labcorp
Classification: Uncertain significance for Muscular dystrophy-dystroglycanopathy (congenital with brain and eye anomalies), type a, 12; Limb-girdle muscular dystrophy due to POMK deficiency. Last evaluated: 2022-06-20. Review status: criteria provided, single submitter. Criteria: Invitae Variant Classification Sherloc (09022015). Collection method: clinical testing. Allele origin: germline.
Comment: In summary, the available evidence is currently insufficient to determine the role of this variant in disease. Therefore, it has been classified as a Variant of Uncertain Significance. Algorithms developed to predict the effect of missense changes on protein structure and function (SIFT, PolyPhen-2, Align-GVGD) all suggest that this variant is likely to be disruptive. This variant has not been reported in the literature in individuals affected with POMK-related conditions. This variant is not present in population databases (gnomAD no frequency). This sequence change replaces leucine, which is neutral and non-polar, with proline, which is neutral and non-polar, at codon 72 of the POMK protein (p.Leu72Pro).